The following is an entry in ClinVar:

ClinVar aggregate classification (germline): Uncertain significance (1 of 4 stars; one submission).

Conditions:
Congenital contractural arachnodactyly (CCA). Also called: Arthrogryposis, distal, type 9; BEALS SYNDROME; Beals-Hecht syndrome. Identifiers: Orphanet 115, MedGen C0220668, MONDO:0007363, OMIM 121050.

gnomAD v4.1: 5 of 1,613,624 alleles (0.00031%); highest among the groups gnomAD compares: Non-Finnish European, 0.00025%; no homozygotes.

Submission:

Labcorp Genetics (formerly Invitae), Labcorp
Classification: Uncertain significance for Congenital contractural arachnodactyly. Last evaluated: 2025-12-06. Review status: criteria provided, single submitter. Criteria: Invitae Variant Classification Sherloc (09022015). Collection method: clinical testing. Allele origin: germline.
Comment: This sequence change replaces alanine, which is neutral and non-polar, with threonine, which is neutral and polar, at codon 2824 of the FBN2 protein (p.Ala2824Thr). This variant is present in population databases (no rsID available, gnomAD 0.002%). This variant has not been reported in the literature in individuals affected with FBN2-related conditions. ClinVar contains an entry for this variant (Variation ID: 3609822). Invitae Evidence Modeling of protein sequence and biophysical properties (such as structural, functional, and spatial information, amino acid conservation, physicochemical variation, residue mobility, and thermodynamic stability) indicates that this missense variant is expected to disrupt FBN2 protein function with a positive predictive value of 80%. In summary, the available evidence is currently insufficient to determine the role of this variant in disease. Therefore, it has been classified as a Variant of Uncertain Significance.

NM_001999.4(FBN2):c.8470G>A (p.Ala2824Thr)

Gene: FBN2 (fibrillin 2; minus strand). Cytogenetic location: 5q23.3.
Variant type: single nucleotide variant.
Coding change: c.8470G>A on transcript NM_001999.4 (MANE Select); coding-DNA position 8470, G replaced by A.
Protein change: p.Ala2824Thr; replaces alanine 2824 with threonine.
Molecular consequence: missense variant.
Genome position (GRCh38, 1-based): chr5:128,259,724, C>T on the plus strand (G>A on the coding strand, the complement: FBN2 is on the minus strand). VCF-style: chr5-128259724-C-T. GRCh37 (hg19) VCF-style: chr5-127595416-C-T.
Other names: short protein forms A2824T.
Identifiers: ClinVar variation 3609822 (VCV003609822.2).
Genomic context (GRCh38, chr5:128,259,724, plus strand): 5'-CGCTGTCATCGTTCCCTTGAGAGATGACATAACGGATGTGGTTGTTGAGGGGCTGGATGG[C>T]GGGCCTTAGTTCCAGGATGTGCTCCTTAGAGCCGAGGTGGGAGAGGTTGAACTTCATGTT-3'
Protein context (NP_001990.2, residues 2814-2834): SKEHILELRP[Ala2824Thr]IQPLNNHIRY